The following is an entry in ClinVar:

NM_000320.3(QDPR):c.563C>T (p.Pro188Leu)

Gene: QDPR (quinoid dihydropteridine reductase; minus strand). Cytogenetic location: 4p15.32.
Variant type: single nucleotide variant.
Coding change: c.563C>T on transcript NM_000320.3 (MANE Select); coding-DNA position 563, C replaced by T.
Protein change: p.Pro188Leu; replaces proline 188 with leucine.
Molecular consequence: missense variant. On other transcripts: non-coding transcript variant (1).
Genome position (GRCh38, 1-based): chr4:17,490,728, G>A on the plus strand (C>T on the coding strand, the complement: QDPR is on the minus strand). VCF-style: chr4-17490728-G-A. GRCh37 (hg19) VCF-style: chr4-17492351-G-A.
Other names: c.563C>T (NM_000320.2); c.470C>T, p.Pro157Leu (NM_001306140.2); short protein forms P157L, P188L.
Identifiers: ClinVar variation 1389804 (VCV001389804.4), dbSNP rs374458448, ClinGen allele CA2868051.

ClinVar aggregate classification (germline): Uncertain significance. Review status: criteria provided, multiple submitters, no conflicts (2 of 4 stars). 2 submissions from 2 submitters: Uncertain significance (2). Last evaluated 2026-03-31.

Conditions:
Inborn genetic diseases. Identifiers: MedGen C0950123, MeSH D030342.
Dihydropteridine reductase deficiency (HPABH4C). Also called: BH4-Deficient Hyperphenylalaninemia C; Hyperphenylalaninemia due to dihydropteridine reductase deficiency; Hyperphenylalaninemia, BH-4-deficient, C; Phenylketonuria type 2; DHPR DEFICIENCY; HYPERPHENYLALANINEMIA, TETRAHYDROBIOPTERIN-DEFICIENT, DUE TO DHPR DEFICIENCY. Identifiers: Orphanet 226, Orphanet 238583, MedGen C0268465, MONDO:0009862, OMIM 261630.

Allele frequency attached by ClinVar (database versions not stated): ExAC 0.00002; gnomAD exomes 0.00002; gnomAD 0.00007; ESP Exome Variant Server 0.00008; TOPMed 0.00008.
gnomAD v4.1: 60 of 1,613,624 alleles (0.0037%); highest among the groups gnomAD compares: East Asian, 0.027%; no homozygotes.

Submissions (2):

Ambry Genetics
Classification: Uncertain significance for Inborn genetic diseases. Last evaluated: 2026-03-31. Review status: criteria provided, single submitter. Criteria: Ambry Variant Classification Scheme 2023. Collection method: clinical testing. Allele origin: germline.
Comment: The c.563C>T (p.P188L) alteration is located in exon 6 (coding exon 6) of the QDPR gene. This alteration results from a C to T substitution at nucleotide position 563, causing the proline (P) at amino acid position 188 to be replaced by a leucine (L). Based on data from gnomAD, the T allele has an overall frequency of 0.002% (5/282714) total alleles studied. The highest observed frequency was 0.004% (1/24952) of African alleles. Based on insufficient or conflicting evidence, the clinical significance of this alteration remains unclear.

Labcorp Genetics (formerly Invitae), Labcorp
Classification: Uncertain significance for Dihydropteridine reductase deficiency. Last evaluated: 2022-04-21. Review status: criteria provided, single submitter. Criteria: Invitae Variant Classification Sherloc (09022015). Collection method: clinical testing. Allele origin: germline.
Comment: This sequence change replaces proline, which is neutral and non-polar, with leucine, which is neutral and non-polar, at codon 188 of the QDPR protein (p.Pro188Leu). This variant is present in population databases (rs374458448, gnomAD 0.004%). This variant has not been reported in the literature in individuals affected with QDPR-related conditions. Algorithms developed to predict the effect of missense changes on protein structure and function (SIFT, PolyPhen-2, Align-GVGD) all suggest that this variant is likely to be disruptive. In summary, the available evidence is currently insufficient to determine the role of this variant in disease. Therefore, it has been classified as a Variant of Uncertain Significance.